The following is an entry in ClinVar:

NM_001386298.1(CIC):c.4712C>T (p.Ala1571Val)

Gene: CIC (capicua transcriptional repressor; plus strand). Cytogenetic location: 19q13.2.
Variant type: single nucleotide variant.
Coding change: c.4712C>T on transcript NM_001386298.1 (MANE Select); coding-DNA position 4712, C replaced by T.
Protein change: p.Ala1571Val; replaces alanine 1571 with valine.
Molecular consequence: missense variant.
Genome position (GRCh38, 1-based): chr19:42,290,753, C>T. VCF-style: chr19-42290753-C-T. GRCh37 (hg19) VCF-style: chr19-42794905-C-T.
Other names: c.4712C>T, p.Ala1571Val (NM_001304815.2, NM_001379480.1, NM_001379482.1); c.1985C>T, p.Ala662Val (NM_001379484.1, NM_001379485.1, NM_015125.5); short protein forms A1571V, A662V.
Identifiers: ClinVar variation 3363466 (VCV003363466.1).

ClinVar aggregate classification (germline): Uncertain significance (1 of 4 stars; one submission).

Submission:

GeneDx
Classification: Uncertain significance. Last evaluated: 2023-11-01. Review status: criteria provided, single submitter. Criteria: GeneDx Variant Classification Process June 2021. Collection method: clinical testing. Allele origin: germline. Affected: yes.
Comment: Not observed at significant frequency in large population cohorts (gnomAD); In silico analysis supports that this missense variant does not alter protein structure/function; Has not been previously published as pathogenic or benign to our knowledge